The following is an entry in ClinVar:

NM_001128918.3(MARK3):c.886G>C (p.Gly296Arg)

Gene: MARK3 (microtubule affinity regulating kinase 3; plus strand). Cytogenetic location: 14q32.32.
Variant type: single nucleotide variant.
Coding change: c.886G>C on transcript NM_001128918.3 (MANE Select); coding-DNA position 886, G replaced by C.
Protein change: p.Gly296Arg; replaces glycine 296 with arginine.
Molecular consequence: missense variant.
Genome position (GRCh38, 1-based): chr14:103,466,080, G>C. VCF-style: chr14-103466080-G-C. GRCh37 (hg19) VCF-style: chr14-103932417-G-C.
Other names: c.886G>C, p.Gly296Arg (NM_001128919.3, NM_001128920.3, NM_002376.7); c.649G>C, p.Gly217Arg (NM_001128921.3); c.832G>C, p.Gly278Arg (NM_001411055.1); c.694G>C, p.Gly232Arg (NM_001411056.1); short protein forms G217R, G232R, G278R, G296R.
Identifiers: ClinVar variation 3041077 (VCV003041077.2), dbSNP rs200117383, ClinGen allele CA7363965.

ClinVar aggregate classification (germline): Likely benign (0 of 4 stars; one submission).

Conditions:
MARK3-related disorder. Also called: MARK3-related condition.

Allele frequency attached by ClinVar (database versions not stated): ESP Exome Variant Server 0.00042.
gnomAD v4.1: 266 of 1,613,688 alleles (0.016%); highest among the groups gnomAD compares: Admixed American, 0.0083%; no homozygotes.

Submission:

PreventionGenetics, part of Exact Sciences
Classification: Likely benign for MARK3-related condition. Last evaluated: 2019-09-17. Review status: no assertion criteria provided. Collection method: clinical testing. Allele origin: germline.
Comment: This variant is classified as likely benign based on ACMG/AMP sequence variant interpretation guidelines (Richards et al. 2015 PMID: 25741868, with internal and published modifications).